The following is an entry in ClinVar:

ClinVar aggregate classification (germline): Likely pathogenic. Review status: criteria provided, multiple submitters, no conflicts (2 of 4 stars). 3 submissions from 3 submitters: Likely pathogenic (2). 1 of the submissions does not count toward it. Last evaluated 2024-09-17.

Conditions:
Noonan syndrome (NS). Also called: Noonan's syndrome. Identifiers: Orphanet 648, MedGen C0028326, MeSH D009634, MONDO:0018997. Disease mechanism: gain of function.

Submissions (3):

GeneDx
Classification: Likely pathogenic. Last evaluated: 2024-09-17. Review status: criteria provided, single submitter. Criteria: GeneDx Variant Classification Process June 2021. Collection method: clinical testing. Allele origin: germline. Affected: yes.
Comment: Not observed at significant frequency in large population cohorts (gnomAD); Missense variants in this gene are a common cause of disease and they are underrepresented in the general population; In silico analysis supports that this missense variant has a deleterious effect on protein structure/function; Has not been previously published as pathogenic or benign to our knowledge; This variant is associated with the following publications: (PMID: 15488754, 15520807, 16439621, 17603483, 24957944, 29493581, 18397470, 26582918)

Laboratory for Molecular Medicine, Mass General Brigham Personalized Medicine
Classification: Likely pathogenic for Noonan syndrome. Last evaluated: 2012-02-02. Review status: criteria provided, single submitter. Criteria: LMM Criteria. Collection method: clinical testing. Allele origin: germline. Observed: 1 variant allele.
Comment: The Thr470Arg variant has not been reported in the literature nor previously ide ntified in over 1,400 Caucasian individuals tested by our laboratory. Furthermore, this variant occurs within the functionally important G-loop of the BRAF tyrosi ne kinase domain and computational analyses (biochemical amino acid properties, conservation, PolyPhen2, SIFT, AlignGVGD) suggest that the Thr470Arg variant may impact the protein. However, this information is not predictive enough to deter mine pathogenicity. In summary, this variant is likely to be pathogenic, based o n the likely de novo occurrence of this variant in this individual.

Service de Génétique Moléculaire, Hôpital Robert Debré
Classification: Uncertain significance for Noonan syndrome. Review status: no assertion criteria provided. Collection method: clinical testing. Allele origin: unknown. Affected: yes. Not counted in ClinVar's aggregate classification.

NM_004333.6(BRAF):c.1409C>G (p.Thr470Arg)

Gene: BRAF (B-Raf proto-oncogene, serine/threonine kinase; minus strand). Cytogenetic location: 7q34.
Variant type: single nucleotide variant.
Coding change: c.1409C>G on transcript NM_004333.6 (MANE Select); coding-DNA position 1409, C replaced by G.
Protein change: p.Thr470Arg; replaces threonine 470 with arginine.
Molecular consequence: missense variant.
Genome position (GRCh38, 1-based): chr7:140,781,599, G>C on the plus strand (C>G on the coding strand, the complement: BRAF is on the minus strand). VCF-style: chr7-140781599-G-C. GRCh37 (hg19) VCF-style: chr7-140481399-G-C.
Other names: c.1409C>G, p.Thr470Arg (NM_001354609.2, NM_001378468.1, NM_001378474.1); c.1529C>G, p.Thr510Arg (NM_001374244.1, NM_001374258.1); c.1418C>G, p.Thr473Arg (NM_001378467.1); c.1343C>G, p.Thr448Arg (NM_001378469.1); c.1307C>G, p.Thr436Arg (NM_001378470.1); c.1298C>G, p.Thr433Arg (NM_001378471.1); c.1253C>G, p.Thr418Arg (NM_001378472.1, NM_001378473.1); c.1145C>G, p.Thr382Arg (NM_001378475.1); short protein forms T470R, T418R, T436R, T473R, T510R, T448R, T382R, T433R.
Identifiers: ClinVar variation 44804 (VCV000044804.6), dbSNP rs397516891, ClinGen allele CA261657.
Genomic context (GRCh38, chr7:140,781,599, plus strand): 5'-TATGACTTGTCACAATGTCACCACATTACATACTTACCATGCCACTTTCCCTTGTAGACT[G>C]TTCCAAATGATCCAGATCCAATTCTTTGTCCCACTGTAATCTGCCCATCAGGAATCTCCC-3'
Protein context (NP_004324.2, residues 460-480): GQRIGSGSFG[Thr470Arg]VYKGKWHGDV